The following is an entry in ClinVar:

ClinVar aggregate classification (germline): Uncertain significance (1 of 4 stars; one submission).

gnomAD v4.1: 8 of 1,613,980 alleles (0.0005%); highest among the groups gnomAD compares: Non-Finnish European, 0.00051%; no homozygotes.

Submission:

Labcorp Genetics (formerly Invitae), Labcorp
Classification: Uncertain significance. Last evaluated: 2024-03-19. Review status: criteria provided, single submitter. Criteria: Invitae Variant Classification Sherloc (09022015). Collection method: clinical testing. Allele origin: germline.
Comment: This sequence change replaces glycine, which is neutral and non-polar, with valine, which is neutral and non-polar, at codon 1081 of the COL11A2 protein (p.Gly1081Val). This variant is not present in population databases (gnomAD no frequency). This variant has not been reported in the literature in individuals affected with COL11A2-related conditions. Advanced modeling of protein sequence and biophysical properties (such as structural, functional, and spatial information, amino acid conservation, physicochemical variation, residue mobility, and thermodynamic stability) performed at Invitae indicates that this missense variant is expected to disrupt COL11A2 protein function with a positive predictive value of 80%. In summary, the available evidence is currently insufficient to determine the role of this variant in disease. Therefore, it has been classified as a Variant of Uncertain Significance.

NM_080680.3(COL11A2):c.3242G>T (p.Gly1081Val)

Gene: COL11A2 (collagen type XI alpha 2 chain; minus strand). Cytogenetic location: 6p21.32.
Variant type: single nucleotide variant.
Coding change: c.3242G>T on transcript NM_080680.3 (MANE Select); coding-DNA position 3242, G replaced by T.
Protein change: p.Gly1081Val; replaces glycine 1081 with valine.
Molecular consequence: missense variant.
Genome position (GRCh38, 1-based): chr6:33,171,483, C>A on the plus strand (G>T on the coding strand, the complement: COL11A2 is on the minus strand). VCF-style: chr6-33171483-C-A. GRCh37 (hg19) VCF-style: chr6-33139260-C-A.
Other names: c.3062G>T, p.Gly1021Val (NM_001424108.1); c.2396G>T, p.Gly799Val (NM_001424109.1); c.2216G>T, p.Gly739Val (NM_001424110.1, NM_001424111.1); c.1196G>T, p.Gly399Val (NM_001424112.1); c.2921G>T, p.Gly974Val (NM_080679.3); c.2984G>T, p.Gly995Val (NM_080681.3); short protein forms G995V, G399V, G739V, G799V, G974V, G1021V, G1081V.
Identifiers: ClinVar variation 3694169 (VCV003694169.2).
Genomic context (GRCh38, chr6:33,171,483, plus strand): 5'-TCATCTGGAAAGAAGATTGGTCGGGGTCTGTGGGGTCCCCTCACCTTGTCTCCATCCTCT[C>A]CAGCCACACCTGGAGGCCCAGCAGGACCAGGAAGCCCCACAGGACCCTGCACTCCATCTC-3'
Protein context (NP_542411.2, residues 1071-1091): PGPAGPPGVA[Gly1081Val]EDGDKGEVGD